The following is an entry in ClinVar:

NM_006947.4(SRP72):c.94A>G (p.Lys32Glu)

Gene: SRP72 (signal recognition particle 72; plus strand). Cytogenetic location: 4q12.
Variant type: single nucleotide variant.
Coding change: c.94A>G on transcript NM_006947.4 (MANE Select); coding-DNA position 94, A replaced by G.
Protein change: p.Lys32Glu; replaces lysine 32 with glutamic acid.
Molecular consequence: missense variant. On other transcripts: non-coding transcript variant (1).
Genome position (GRCh38, 1-based): chr4:56,467,729, A>G. VCF-style: chr4-56467729-A-G. GRCh37 (hg19) VCF-style: chr4-57333895-A-G.
Other names: c.94A>G, p.Lys32Glu (NM_001267722.2); short protein forms K32E.
Identifiers: ClinVar variation 3962084 (VCV003962084.2).

ClinVar aggregate classification (germline): Uncertain significance. Review status: criteria provided, multiple submitters, no conflicts (2 of 4 stars). 2 submissions from 2 submitters: Uncertain significance (2). Last evaluated 2025-09-29.

gnomAD v4.1: 2 of 1,549,142 alleles (0.00013%); highest among the groups gnomAD compares: Non-Finnish European, 0.00017%; no homozygotes.

Submissions (2):

Labcorp Genetics (formerly Invitae), Labcorp
Classification: Uncertain significance. Last evaluated: 2025-09-29. Review status: criteria provided, single submitter. Criteria: Invitae Variant Classification Sherloc (09022015). Collection method: clinical testing. Allele origin: germline.
Comment: This sequence change replaces lysine, which is basic and polar, with glutamic acid, which is acidic and polar, at codon 32 of the SRP72 protein (p.Lys32Glu). This variant is not present in population databases (gnomAD no frequency). This variant has not been reported in the literature in individuals affected with SRP72-related conditions. ClinVar contains an entry for this variant (Variation ID: 3962084). Invitae Evidence Modeling of protein sequence and biophysical properties (such as structural, functional, and spatial information, amino acid conservation, physicochemical variation, residue mobility, and thermodynamic stability) indicates that this missense variant is not expected to disrupt SRP72 protein function with a negative predictive value of 80%. In summary, the available evidence is currently insufficient to determine the role of this variant in disease. Therefore, it has been classified as a Variant of Uncertain Significance.

Ambry Genetics
Classification: Uncertain significance. Last evaluated: 2025-04-25. Review status: criteria provided, single submitter. Criteria: Ambry Variant Classification Scheme 2023. Collection method: clinical testing. Allele origin: germline.
Comment: The p.K32E variant (also known as c.94A>G), located in coding exon 1 of the SRP72 gene, results from an A to G substitution at nucleotide position 94. The lysine at codon 32 is replaced by glutamic acid, an amino acid with similar properties. This amino acid position is conserved. In addition, the in silico prediction for this alteration is inconclusive. Based on the available evidence, the clinical significance of this variant remains unclear.